The following is an entry in ClinVar:

ClinVar aggregate classification (germline): Uncertain significance (1 of 4 stars; one submission).

Conditions:
Hereditary cancer-predisposing syndrome. Also called: Hereditary Cancer Syndrome; Hereditary neoplastic syndrome; Tumor predisposition; Neoplastic Syndromes, Hereditary. Identifiers: Orphanet 140162, MedGen C0027672, MeSH D009386, MONDO:0015356.

Submission:

Ambry Genetics
Classification: Uncertain significance for Hereditary cancer-predisposing syndrome. Last evaluated: 2024-10-03. Review status: criteria provided, single submitter. Criteria: Ambry Variant Classification Scheme 2023. Collection method: clinical testing. Allele origin: germline.
Comment: The p.G840R variant (also known as c.2518G>A), located in coding exon 17 of the BRIP1 gene, results from a G to A substitution at nucleotide position 2518. The glycine at codon 840 is replaced by arginine, an amino acid with dissimilar properties. This amino acid position is highly conserved in available vertebrate species. In addition, this alteration is predicted to be deleterious by in silico analysis. Based on the available evidence, the clinical significance of this variant remains unclear.

NM_032043.3(BRIP1):c.2518G>A (p.Gly840Arg)

Gene: BRIP1 (BRCA1 interacting DNA helicase 1; minus strand). Cytogenetic location: 17q23.2.
Variant type: single nucleotide variant.
Coding change: c.2518G>A on transcript NM_032043.3 (MANE Select); coding-DNA position 2518, G replaced by A.
Protein change: p.Gly840Arg; replaces glycine 840 with arginine.
Molecular consequence: missense variant.
Genome position (GRCh38, 1-based): chr17:61,693,487, C>T on the plus strand (G>A on the coding strand, the complement: BRIP1 is on the minus strand). VCF-style: chr17-61693487-C-T. GRCh37 (hg19) VCF-style: chr17-59770848-C-T.
Other names: short protein forms G840R.
Identifiers: ClinVar variation 1792491 (VCV001792491.3), dbSNP rs1412270207, ClinGen allele CA400482451.